The following is an entry in ClinVar:

ClinVar aggregate classification (germline): Uncertain significance. Review status: criteria provided, multiple submitters, no conflicts (2 of 4 stars). 2 submissions from 2 submitters: Uncertain significance (2). Last evaluated 2025-06-19.

Conditions:
OTX2-Related Syndromic Microphthalmia.
Congenital hypothyroidism. Identifiers: Orphanet 442, MedGen C0010308, MONDO:0018612, HP:0000851.

Submissions (2):

Cambridge Genomics Laboratory, East Genomic Laboratory Hub, NHS Genomic Medicine Service
Classification: Uncertain significance for Congenital hypothyroidism. Last evaluated: 2025-06-19. Review status: criteria provided, single submitter. Criteria: ACGS Best Practice Guidelines for Variant Classification in Rare Disease 2020. Collection method: clinical testing. Allele origin: germline. Affected: yes.
Comment: PM2

Illumina Laboratory Services, Illumina
Classification: Uncertain significance. Last evaluated: 2021-12-13. Review status: criteria provided, single submitter. Criteria: ICSLVariantClassificationCriteria RUGD 01 April 2020. Collection method: clinical testing. Allele origin: unknown.
Comment: The OTX2 c.397C>T (p.Pro133Ser) missense variant results in the substitution of proline at amino acid position 133 with serine. To our knowledge, this variant has not been reported in the peer-reviewed literature. This variant is not found in version 2.1.1 or version 3.1.2 of the Genome Aggregation Database. In silico tools suggest that this variant may be damaging, however this has not been verified experimentally. Based on the available evidence, the c.397C>T (p.Pro133Ser) variant is classified as a variant of uncertain significance for OTX2-related syndromic microphthalmia.

NM_021728.4(OTX2):c.421C>T (p.Pro141Ser)

Gene: OTX2 (orthodenticle homeobox 2; minus strand). Cytogenetic location: 14q22.3.
Variant type: single nucleotide variant.
Coding change: c.421C>T on transcript NM_021728.4 (MANE Select); coding-DNA position 421, C replaced by T.
Protein change: p.Pro141Ser; replaces proline 141 with serine.
Molecular consequence: missense variant. On other transcripts: non-coding transcript variant (2).
Genome position (GRCh38, 1-based): chr14:56,802,208, G>A on the plus strand (C>T on the coding strand, the complement: OTX2 is on the minus strand). VCF-style: chr14-56802208-G-A. GRCh37 (hg19) VCF-style: chr14-57268926-G-A.
Other names: c.397C>T, p.Pro133Ser (NM_001270523.2, NM_001270524.2, NM_172337.3); c.421C>T, p.Pro141Ser (NM_001270525.2); short protein forms P133S, P141S.
Identifiers: ClinVar variation 1693280 (VCV001693280.4), dbSNP rs376333965, ClinGen allele CA390051894.
Genomic context (GRCh38, chr14:56,802,208, plus strand): 5'-TCCAGATAGACACAGGAGCACTGCTGCTGGCAATGGTCGGGACTGAGGTGCTAGAGGGGG[G>A]AGTGAATTGGCCACTTGTTCCACTCTCTGAACTCACTTCCCGAGCTGGAGATGTCTTCTT-3'
Protein context (NP_068374.1, residues 131-151): SESGTSGQFT[Pro141Ser]PSSTSVPTIA